The following is an entry in ClinVar:

ClinVar aggregate classification (germline): Benign/Likely benign. Review status: criteria provided, multiple submitters, no conflicts (2 of 4 stars). 5 submissions from 5 submitters: Benign (2); Likely benign (2). 1 of the submissions does not count toward it. Last evaluated 2026-01-05.

Conditions:
UBA1-related disorder. Also called: UBA1-related condition.
Inborn genetic diseases. Identifiers: MedGen C0950123, MeSH D030342.
Infantile-onset X-linked spinal muscular atrophy. Also called: AMC, DISTAL, X-LINKED; ARTHROGRYPOSIS, X-LINKED, TYPE I; SPINAL MUSCULAR ATROPHY, X-LINKED LETHAL INFANTILE; Spinal muscular atrophy, X-linked 2; Spinal Muscular Atrophy, X-Linked Infantile. Identifiers: Orphanet 1145, MedGen C1844934, MONDO:0010532, OMIM 301830.

Allele frequency attached by ClinVar (database versions not stated): TOPMed 0.00229; gnomAD 0.00235 and 0.00247; ESP Exome Variant Server 0.00331; 1000 Genomes Project 30x 0.00354; 1000 Genomes Project 0.00371.
gnomAD v4.1: 510 of 1,209,932 alleles (0.042%); highest among the groups gnomAD compares: African/African-American, 0.81%; 4 homozygotes.

Submissions (5):

Labcorp Genetics (formerly Invitae), Labcorp
Classification: Benign for Infantile-onset X-linked spinal muscular atrophy. Last evaluated: 2026-01-05. Review status: criteria provided, single submitter. Criteria: Invitae Variant Classification Sherloc (09022015). Collection method: clinical testing. Allele origin: germline.

Blueprint Genetics
Classification: Likely benign. Last evaluated: 2024-11-25. Review status: criteria provided, single submitter. Criteria: ACMG Guidelines, 2015. Collection method: clinical testing. Allele origin: germline.

Ambry Genetics
Classification: Likely benign for Inborn genetic diseases. Last evaluated: 2019-07-11. Review status: criteria provided, single submitter. Criteria: Ambry Variant Classification Scheme 2023. Collection method: clinical testing. Allele origin: germline.

GeneDx
Classification: Benign. Last evaluated: 2017-06-02. Review status: criteria provided, single submitter. Criteria: GeneDx Variant Classification (06012015). Collection method: clinical testing. Allele origin: germline. Affected: yes.
Comment: This variant is considered likely benign or benign based on one or more of the following criteria: it is a conservative change, it occurs at a poorly conserved position in the protein, it is predicted to be benign by multiple in silico algorithms, and/or has population frequency not consistent with disease.

PreventionGenetics, part of Exact Sciences
Classification: Benign for UBA1-related condition. Last evaluated: 2019-08-13. Review status: no assertion criteria provided. Collection method: clinical testing. Allele origin: germline. Not counted in ClinVar's aggregate classification.
Comment: This variant is classified as benign based on ACMG/AMP sequence variant interpretation guidelines (Richards et al. 2015 PMID: 25741868, with internal and published modifications).

NM_003334.4(UBA1):c.2595A>G (p.Ala865=)

Gene: UBA1 (ubiquitin like modifier activating enzyme 1; plus strand). Cytogenetic location: Xp11.3.
Variant type: single nucleotide variant.
Coding change: c.2595A>G on transcript NM_003334.4 (MANE Select); coding-DNA position 2595, A replaced by G.
Protein change: p.Ala865=; no amino-acid change (alanine 865 retained).
Molecular consequence: synonymous variant.
Genome position (GRCh38, 1-based): chrX:47,212,812, A>G. VCF-style: chrX-47212812-A-G. GRCh37 (hg19) VCF-style: chrX-47072211-A-G.
Other names: c.2595A>G, p.Ala865= (NM_153280.3).
Identifiers: ClinVar variation 465034 (VCV000465034.18), dbSNP rs139492208, ClinGen allele CA10396157.